The following is an entry in ClinVar:

NM_001009944.3(PKD1):c.7475A>G (p.His2492Arg)

Gene: PKD1 (polycystin 1, transient receptor potential channel interacting; minus strand). Cytogenetic location: 16p13.3.
Variant type: single nucleotide variant.
Coding change: c.7475A>G on transcript NM_001009944.3 (MANE Select); coding-DNA position 7475, A replaced by G.
Protein change: p.His2492Arg; replaces histidine 2492 with arginine.
Molecular consequence: missense variant.
Genome position (GRCh38, 1-based): chr16:2,106,412, T>C on the plus strand (A>G on the coding strand, the complement: PKD1 is on the minus strand). VCF-style: chr16-2106412-T-C. GRCh37 (hg19) VCF-style: chr16-2156413-T-C.
Other names: c.7475A>G, p.His2492Arg (NM_000296.4); short protein forms H2492R.
Identifiers: ClinVar variation 4688508 (VCV004688508.2).

ClinVar aggregate classification (germline): Conflicting classifications of pathogenicity. Review status: criteria provided, conflicting classifications (1 of 4 stars). 2 submissions from 2 submitters: Uncertain significance (1); Likely benign (1). Last evaluated 2026-05-07.

Conditions:
PKD1-related disorder. Also called: PKD1-related condition.

gnomAD v4.1: 76 of 1,589,264 alleles (0.0048%); highest among the groups gnomAD compares: African/African-American, 0.087%; no homozygotes.

Submissions (2):

PreventionGenetics, part of Exact Sciences
Classification: Likely benign for PKD1-related condition. Last evaluated: 2026-05-07. Review status: criteria provided, single submitter. Criteria: ACMG Guidelines, 2015. Collection method: clinical testing. Allele origin: germline.
Comment: This variant is classified as likely benign based on ACMG/AMP sequence variant interpretation guidelines (Richards et al. 2015 PMID: 25741868, with internal and published modifications).

Women's Health and Genetics/Laboratory Corporation of America, LabCorp
Classification: Uncertain significance. Last evaluated: 2025-12-08. Review status: criteria provided, single submitter. Criteria: LabCorp Variant Classification Summary - May 2015. Collection method: clinical testing. Allele origin: germline.
Comment: Variant summary: PKD1 c.7475A>G (p.His2492Arg) results in a non-conservative amino acid change in the encoded protein sequence. Algorithms developed to predict the effect of missense changes on protein structure and function are either unavailable or do not agree on the potential impact of this missense change. The variant allele was found at a frequency of 4e-05 in 175240 control chromosomes (gnomAD). The available data on variant occurrences in the general population are insufficient to allow any conclusion about variant significance. To our knowledge, no occurrence of c.7475A>G in individuals affected with PKD1-related conditions and no experimental evidence demonstrating its impact on protein function have been reported. No submitters have cited clinical-significance assessments for this variant to ClinVar. Based on the evidence outlined above, the variant was classified as uncertain significance.